The following is an entry in ClinVar:

ClinVar aggregate classification (germline): Pathogenic/Likely pathogenic. Review status: criteria provided, multiple submitters, no conflicts (2 of 4 stars). 3 submissions from 3 submitters: Pathogenic (1); Likely pathogenic (2). Last evaluated 2025-05-22.

Conditions:
FAH-related disorder. Also called: FAH-related condition.
Tyrosinemia type I (TYRSN1). Also called: Deficiency of fumarylacetoacetase; Tyrosinemia type 1; Fumarylacetoacetase deficiency; FAH DEFICIENCY; HEPATORENAL TYROSINEMIA. Identifiers: Orphanet 882, MedGen C0268490, MONDO:0010161, OMIM 276700. Disease mechanism: loss of function.

Allele frequency attached by ClinVar (database versions not stated): TOPMed below 0.00001.

Submissions (3):

PreventionGenetics, part of Exact Sciences
Classification: Likely pathogenic for FAH-related condition. Last evaluated: 2025-05-22. Review status: criteria provided, single submitter. Criteria: ACMG Guidelines, 2015. Collection method: clinical testing. Allele origin: germline.
Comment: The FAH c.701G>A variant is predicted to result in premature protein termination (p.Trp234*). To our knowledge, this variant has not been reported in the literature or in a large population database (gnomAD), indicating this variant is rare. Nonsense variants in FAH are expected to be pathogenic. This variant is interpreted as likely pathogenic.

Baylor Genetics
Classification: Likely pathogenic for Tyrosinemia type I. Last evaluated: 2023-11-18. Review status: criteria provided, single submitter. Criteria: ACMG Guidelines, 2015. Collection method: clinical testing. Allele origin: unknown.

Labcorp Genetics (formerly Invitae), Labcorp
Classification: Pathogenic for Tyrosinemia type I. Last evaluated: 2023-08-09. Review status: criteria provided, single submitter. Criteria: Invitae Variant Classification Sherloc (09022015). Collection method: clinical testing. Allele origin: germline.
Comment: Algorithms developed to predict the effect of sequence changes on RNA splicing suggest that this variant may disrupt the consensus splice site. This sequence change creates a premature translational stop signal (p.Trp234*) in the FAH gene. It is expected to result in an absent or disrupted protein product. Loss-of-function variants in FAH are known to be pathogenic (PMID: 9101289, 9633815). This variant is not present in population databases (gnomAD no frequency). This variant has not been reported in the literature in individuals affected with FAH-related conditions. ClinVar contains an entry for this variant (Variation ID: 2054966). For these reasons, this variant has been classified as Pathogenic.

Literature cited by the submitters: PubMed 9101289 (cited by Labcorp Genetics (formerly Invitae), Labcorp); PubMed 9633815 (cited by Labcorp Genetics (formerly Invitae), Labcorp).

NM_000137.4(FAH):c.701G>A (p.Trp234Ter)

Gene: FAH (fumarylacetoacetate hydrolase; plus strand). Cytogenetic location: 15q25.1.
Variant type: single nucleotide variant.
Coding change: c.701G>A on transcript NM_000137.4 (MANE Select); coding-DNA position 701, G replaced by A.
Protein change: p.Trp234Ter; replaces tryptophan 234 with a stop codon.
Molecular consequence: nonsense.
Genome position (GRCh38, 1-based): chr15:80,172,243, G>A. VCF-style: chr15-80172243-G-A. GRCh37 (hg19) VCF-style: chr15-80464585-G-A.
Other names: c.701G>A, p.Trp234Ter (NM_001374377.1, NM_001374380.1); c.701G>A (NM_000137.2); short protein forms W234*.
Identifiers: ClinVar variation 2054966 (VCV002054966.6), dbSNP rs2041247681, ClinGen allele CA393620607.